The following is an entry in ClinVar:

ClinVar aggregate classification (germline): Likely pathogenic. Review status: criteria provided, single submitter (1 of 4 stars). 2 submissions from 2 submitters: Likely pathogenic (1). 1 of the submissions does not count toward it. Last evaluated 2024-06-07.

Conditions:
Mucopolysaccharidosis, MPS-II (MPS2). Also called: Attenuated MPS (subtype; formerly known as mild MPS II); Severe MPS II; I2S deficiency; MPS 2; Hunter Syndrome; IDURONATE 2-SULFATASE DEFICIENCY. Identifiers: Orphanet 580, Orphanet 79388, MedGen C0026705, MONDO:0010674, OMIM 309900.

Submissions (2):

Laboratory of Diagnosis and Therapy of Lysosomal Disorders, University of Padova
Classification: Likely pathogenic for Mucopolysaccharidosis, MPS-II. Last evaluated: 2024-06-07. Review status: criteria provided, single submitter. Criteria: ACMG Guidelines, 2015. Collection method: literature only. Allele origin: germline. Affected: yes. Observed: 7 variant alleles.
Comment: Prevalence of the variant significantly increased in affected individuals compared with controls (PS4_Supporting), Absent from controls (or at low frequency) in gnomAD database (PM2_Moderate), Missense variant in a gene with a low rate of benign missense variation (PP2_Supporting), Multiple lines of computational evidence support a deleterious effect (PP3_Supporting), Patient’s phenotype or family history highly specific for the disease (PP4_Moderate)

Classification method: ACMG Guidelines [PMID:25741868] with modifications

Division of Medical Genetics, Department of Pediatrics, All India Institute of Medical Sciences, New Delhi
Classification: Affects for Mucopolysaccharidosis, MPS-II. Last evaluated: 2014-04-08. Review status: no assertion criteria provided. Collection method: research. Allele origin: germline. Inheritance: X-linked recessive inheritance. Affected: yes. Observed: 1 variant allele, 1 hemizygote. Not counted in ClinVar's aggregate classification.
Comment: The change c.182C>T, (p.S61F) was found to be a missense variant, where the neutral polar amino acid Serine at 61 position was substituted by an aromatic nonpolar neutral amino acid Phenylalanine. In silico pathogenicity prediction of the missense mutation was done using different software and web tools. The score inferred by the tools for this variation was are clearly suggestive of the pathogenic effect of the residues. Serine residue at position 61 is conserved among H.sapiens, M.mulatta, F.catus, M.musculus, G.gallus, T.rubripes, D.rerio, and X.tropicalis (Mutation taster). High degree of evolutionary conservation and any substitution of this residue at the same position is expected to cause deleterious outcome on the protein. The conserved nature of the residue was also confirmed by Polyphen2 and mutation assessor.

Literature cited by the submitters: PubMed 35144014 (cited by Laboratory of Diagnosis and Therapy of Lysosomal Disorders, University of Padova); PubMed 34813777 (cited by Laboratory of Diagnosis and Therapy of Lysosomal Disorders, University of Padova); PubMed 22976768 (cited by Laboratory of Diagnosis and Therapy of Lysosomal Disorders, University of Padova); PubMed 27789394 (cited by Laboratory of Diagnosis and Therapy of Lysosomal Disorders, University of Padova); PubMed 36945845 (cited by Laboratory of Diagnosis and Therapy of Lysosomal Disorders, University of Padova).

NM_000202.8(IDS):c.182C>T (p.Ser61Phe)

Gene: IDS (iduronate 2-sulfatase; minus strand). Cytogenetic location: Xq28.
Variant type: single nucleotide variant.
Coding change: c.182C>T on transcript NM_000202.8 (MANE Select); coding-DNA position 182, C replaced by T.
Protein change: p.Ser61Phe; replaces serine 61 with phenylalanine.
Molecular consequence: missense variant. On other transcripts: 5 prime UTR variant (1), non-coding transcript variant (1).
Genome position (GRCh38, 1-based): chrX:149,504,215, G>A on the plus strand (C>T on the coding strand, the complement: IDS is on the minus strand). VCF-style: chrX-149504215-G-A. GRCh37 (hg19) VCF-style: chrX-148585745-G-A.
Other names: c.-45C>T (NM_001166550.4); c.182C>T, p.Ser61Phe (NM_006123.5); short protein forms S61F.
Identifiers: ClinVar variation 1065845 (VCV001065845.4), dbSNP rs2124065955, ClinGen allele CA414527509.